The following is an entry in ClinVar:

ClinVar aggregate classification (germline): Uncertain significance (1 of 4 stars; one submission).

Submission:

Labcorp Genetics (formerly Invitae), Labcorp
Classification: Uncertain significance. Last evaluated: 2024-05-28. Review status: criteria provided, single submitter. Criteria: Invitae Variant Classification Sherloc (09022015). Collection method: clinical testing. Allele origin: germline.
Comment: This sequence change creates a premature translational stop signal (p.Ser94Ilefs*22) in the FOCAD gene. It is expected to result in an absent or disrupted protein product. However, the current clinical and genetic evidence is not sufficient to establish whether loss-of-function variants in FOCAD cause disease. This variant is not present in population databases (gnomAD no frequency). This variant has not been reported in the literature in individuals affected with FOCAD-related conditions. In summary, the available evidence is currently insufficient to determine the role of this variant in disease. Therefore, it has been classified as a Variant of Uncertain Significance.

NM_001375567.1(FOCAD):c.278dup (p.Ser94fs)

Gene: FOCAD (focadhesin; plus strand). Cytogenetic location: 9p21.3.
Variant type: Duplication.
Coding change: c.278dup on transcript NM_001375567.1 (MANE Select); coding-DNA position 278, one base duplicated (C; older notation c.278dupC).
Protein change: p.Ser94fs; shifts the reading frame from serine 94.
Molecular consequence: frameshift variant.
Genome position (GRCh38, 1-based): chr9:20,720,525, C duplicated; the last of 2 consecutive C bases (chr9:20,720,524-20,720,525); duplicating either gives the same sequence. VCF-style (leftmost placement, unchanged base first): chr9-20720523-T-TC. GRCh37 (hg19) VCF-style: chr9-20720522-T-TC.
Other names: c.278dup, p.Ser94fs (NM_001375568.1, NM_001375570.1, NM_017794.5); short protein forms S94fs.
Identifiers: ClinVar variation 2708128 (VCV002708128.3), dbSNP rs2489181984, ClinGen allele CA2579313711.